The following is an entry in ClinVar:

ClinVar aggregate classification (germline): Uncertain significance. Review status: criteria provided, multiple submitters, no conflicts (2 of 4 stars). 2 submissions from 2 submitters: Uncertain significance (2). Last evaluated 2025-04-12.

gnomAD v4.1: 1 of 1,610,594 alleles (0.000062%); highest among the groups gnomAD compares: Non-Finnish European, 0.000085%; no homozygotes.

Submissions (2):

Ambry Genetics
Classification: Uncertain significance. Last evaluated: 2025-04-12. Review status: criteria provided, single submitter. Criteria: Ambry Variant Classification Scheme 2023. Collection method: clinical testing. Allele origin: germline.
Comment: The p.A126G variant (also known as c.377C>G), located in coding exon 3 of the RNF43 gene, results from a C to G substitution at nucleotide position 377. The alanine at codon 126 is replaced by glycine, an amino acid with similar properties. This amino acid position is conserved. In addition, this alteration is predicted to be tolerated by in silico analysis. Based on the available evidence, the clinical significance of this variant remains unclear.

Labcorp Genetics (formerly Invitae), Labcorp
Classification: Uncertain significance. Last evaluated: 2022-01-20. Review status: criteria provided, single submitter. Criteria: Invitae Variant Classification Sherloc (09022015). Collection method: clinical testing. Allele origin: germline.
Comment: Algorithms developed to predict the effect of missense changes on protein structure and function are either unavailable or do not agree on the potential impact of this missense change (SIFT: "Deleterious"; PolyPhen-2: "Probably Damaging"; Align-GVGD: "Class C0"). In summary, the available evidence is currently insufficient to determine the role of this variant in disease. Therefore, it has been classified as a Variant of Uncertain Significance. This variant has not been reported in the literature in individuals affected with RNF43-related conditions. This variant is not present in population databases (gnomAD no frequency). This sequence change replaces alanine, which is neutral and non-polar, with glycine, which is neutral and non-polar, at codon 126 of the RNF43 protein (p.Ala126Gly).

NM_017763.6(RNF43):c.377C>G (p.Ala126Gly)

Gene: RNF43 (ring finger protein 43; minus strand). Cytogenetic location: 17q22.
Variant type: single nucleotide variant.
Coding change: c.377C>G on transcript NM_017763.6 (MANE Select); coding-DNA position 377, C replaced by G.
Protein change: p.Ala126Gly; replaces alanine 126 with glycine.
Molecular consequence: missense variant.
Genome position (GRCh38, 1-based): chr17:58,363,599, G>C on the plus strand (C>G on the coding strand, the complement: RNF43 is on the minus strand). VCF-style: chr17-58363599-G-C. GRCh37 (hg19) VCF-style: chr17-56440960-G-C.
Other names: c.377C>G, p.Ala126Gly (NM_001305544.3); c.-5C>G (NM_001305545.2); short protein forms A126G.
Identifiers: ClinVar variation 1963442 (VCV001963442.6), dbSNP rs778962170, ClinGen allele CA400339548.